The following is an entry in ClinVar:

NM_152703.5(SAMD9L):c.1214A>G (p.Asn405Ser)

Gene: SAMD9L (sterile alpha motif domain containing 9 like; minus strand). Cytogenetic location: 7q21.2.
Variant type: single nucleotide variant.
Coding change: c.1214A>G on transcript NM_152703.5 (MANE Select); coding-DNA position 1214, A replaced by G.
Protein change: p.Asn405Ser; replaces asparagine 405 with serine.
Molecular consequence: missense variant.
Genome position (GRCh38, 1-based): chr7:93,134,758, T>C on the plus strand (A>G on the coding strand, the complement: SAMD9L is on the minus strand). VCF-style: chr7-93134758-T-C. GRCh37 (hg19) VCF-style: chr7-92764071-T-C.
Other names: c.1214A>G, p.Asn405Ser (NM_001303496.3, NM_001303497.3, NM_001303498.3 and 5 more transcripts); short protein forms N405S.
Identifiers: ClinVar variation 4864028 (VCV004864028.1).

ClinVar aggregate classification (germline): Uncertain significance (1 of 4 stars; one submission).

Conditions:
Inborn genetic diseases. Identifiers: MedGen C0950123, MeSH D030342.

Submission:

Ambry Genetics
Classification: Uncertain significance for Inborn genetic diseases. Last evaluated: 2026-06-08. Review status: criteria provided, single submitter. Criteria: Ambry Variant Classification Scheme 2023. Collection method: clinical testing. Allele origin: germline.
Comment: The p.N405S variant (also known as c.1214A>G), located in coding exon 1 of the SAMD9L gene, results from an A to G substitution at nucleotide position 1214. The asparagine at codon 405 is replaced by serine, an amino acid with highly similar properties. This amino acid position is conserved. In addition, this alteration is predicted to be tolerated by in silico analysis. Based on the available evidence, the clinical significance of this variant remains unclear.